The following is an entry in ClinVar:

ClinVar aggregate classification (germline): Likely pathogenic. Review status: criteria provided, single submitter (1 of 4 stars). 2 submissions from 2 submitters: Likely pathogenic (1). 1 of the submissions does not count toward it. Last evaluated 2023-09-25.

Conditions:
Charcot-Marie-Tooth disease. Also called: Charcot-Marie-Tooth Hereditary Neuropathy; Charcot-Marie-Tooth Neuropathy. Identifiers: Orphanet 166, MedGen C0007959, MONDO:0015626.

Allele frequency attached by ClinVar (database versions not stated): gnomAD 0.00001 and 0.00002.
gnomAD v4.1: 3 of 1,612,478 alleles (0.00019%); highest among the groups gnomAD compares: Admixed American, 0.0033%; no homozygotes.

Submissions (2):

GeneDx
Classification: Likely pathogenic. Last evaluated: 2023-09-25. Review status: criteria provided, single submitter. Criteria: GeneDx Variant Classification Process June 2021. Collection method: clinical testing. Allele origin: germline. Affected: yes.
Comment: Nonsense variant predicted to result in protein truncation, as the last 61 amino acids are lost, and other loss-of-function variants have been reported downstream in HGMD; Not observed at significant frequency in large population cohorts (gnomAD); This variant is associated with the following publications: (PMID: 25525159, 23962696, 31680794, 27162595, 15505184, 31070812, 32586600)

Inherited Neuropathy Consortium
Classification: Uncertain significance for Charcot-Marie-Tooth disease. Review status: no assertion criteria provided. Collection method: literature only. Allele origin: germline. Affected: yes. Not counted in ClinVar's aggregate classification.

Literature cited by the submitters: PubMed 15505184 (cited by Inherited Neuropathy Consortium).

NM_016156.6(MTMR2):c.1749G>A (p.Trp583Ter)

Gene: MTMR2 (myotubularin related protein 2; minus strand). Cytogenetic location: 11q21.
Variant type: single nucleotide variant.
Coding change: c.1749G>A on transcript NM_016156.6 (MANE Select); coding-DNA position 1749, G replaced by A.
Protein change: p.Trp583Ter; replaces tryptophan 583 with a stop codon.
Molecular consequence: nonsense.
Genome position (GRCh38, 1-based): chr11:95,836,169, C>T on the plus strand (G>A on the coding strand, the complement: MTMR2 is on the minus strand). VCF-style: chr11-95836169-C-T. GRCh37 (hg19) VCF-style: chr11-95569333-C-T.
Other names: c.1533G>A, p.Trp511Ter (NM_001243571.2, NM_201278.3, NM_201281.3); short protein forms W583*, W511*.
Identifiers: ClinVar variation 637810 (VCV000637810.2), dbSNP rs1590968942, ClinGen allele CA382413858.